The following is an entry in ClinVar:

ClinVar aggregate classification (germline): Uncertain significance. Review status: criteria provided, multiple submitters, no conflicts (2 of 4 stars). 3 submissions from 3 submitters: Uncertain significance (3). Last evaluated 2023-11-03.

Conditions:
Inborn genetic diseases. Identifiers: MedGen C0950123, MeSH D030342.
Arginine:glycine amidinotransferase deficiency (CCDS3). Also called: AGAT deficiency; Creatine deficiency syndrome due to AGAT deficiency; GATM deficiency; L-Arginine:Glycine Amidinotransferase (AGAT) Deficiency; Cerebral creatine deficiency syndrome 3; L-Arginine:Glycine Amidinotransferase Deficiency. Identifiers: Orphanet 35704, MedGen C2675179, MONDO:0012996, OMIM 612718.

Allele frequency attached by ClinVar (database versions not stated): gnomAD exomes 0.00002 and 0.00003; ExAC 0.00001; TOPMed 0.00001.

Submissions (3):

Labcorp Genetics (formerly Invitae), Labcorp
Classification: Uncertain significance for Arginine:glycine amidinotransferase deficiency. Last evaluated: 2023-11-03. Review status: criteria provided, single submitter. Criteria: Invitae Variant Classification Sherloc (09022015). Collection method: clinical testing. Allele origin: germline.
Comment: This sequence change replaces lysine, which is basic and polar, with arginine, which is basic and polar, at codon 215 of the GATM protein (p.Lys215Arg). This variant is present in population databases (rs759012962, gnomAD 0.007%). This variant has not been reported in the literature in individuals affected with GATM-related conditions. ClinVar contains an entry for this variant (Variation ID: 836244). Advanced modeling of protein sequence and biophysical properties (such as structural, functional, and spatial information, amino acid conservation, physicochemical variation, residue mobility, and thermodynamic stability) performed at Invitae indicates that this missense variant is not expected to disrupt GATM protein function with a negative predictive value of 80%. In summary, the available evidence is currently insufficient to determine the role of this variant in disease. Therefore, it has been classified as a Variant of Uncertain Significance.

Ambry Genetics
Classification: Uncertain significance for Inborn genetic diseases. Last evaluated: 2018-09-29. Review status: criteria provided, single submitter. Criteria: Ambry Variant Classification Scheme 2023. Collection method: clinical testing. Allele origin: germline.
Comment: The p.K215R variant (also known as c.644A>G), located in coding exon 4 of the GATM gene, results from an A to G substitution at nucleotide position 644. The lysine at codon 215 is replaced by arginine, an amino acid with highly similar properties. This amino acid position is highly conserved in available vertebrate species. In addition, this alteration is predicted to be tolerated by in silico analysis. Since supporting evidence is limited at this time, the clinical significance of this alteration remains unclear.

Illumina Laboratory Services, Illumina
Classification: Uncertain significance for Arginine:glycine amidinotransferase deficiency. Last evaluated: 2018-01-12. Review status: criteria provided, single submitter. Criteria: ICSL Variant Classification Criteria 13 December 2019. Collection method: clinical testing. Allele origin: germline.

NM_001482.3(GATM):c.644A>G (p.Lys215Arg)

Gene: GATM (glycine amidinotransferase; minus strand). Cytogenetic location: 15q21.1.
Variant type: single nucleotide variant.
Coding change: c.644A>G on transcript NM_001482.3 (MANE Select); coding-DNA position 644, A replaced by G.
Protein change: p.Lys215Arg; replaces lysine 215 with arginine.
Molecular consequence: missense variant.
Genome position (GRCh38, 1-based): chr15:45,368,101, T>C on the plus strand (A>G on the coding strand, the complement: GATM is on the minus strand). VCF-style: chr15-45368101-T-C. GRCh37 (hg19) VCF-style: chr15-45660299-T-C.
Other names: c.257A>G, p.Lys86Arg (NM_001321015.2); short protein forms K215R, K86R.
Identifiers: ClinVar variation 836244 (VCV000836244.13), dbSNP rs759012962, ClinGen allele CA7542884.